The following is an entry in ClinVar:

ClinVar aggregate classification (germline): Uncertain significance (1 of 4 stars; one submission).

Conditions:
Familial hypercholesterolemia. Also called: Familial hypercholesterolaemia. Identifiers: MedGen C0020445, MONDO:0005439.

Submission:

Color Diagnostics, LLC DBA Color Health
Classification: Uncertain significance for Familial hypercholesterolemia. Last evaluated: 2019-07-25. Review status: criteria provided, single submitter. Criteria: ACMG Guidelines, 2015. Collection method: clinical testing. Allele origin: germline.
Comment: This missense variant (also known as p.Thr26Ser in the mature protein) replaces threonine with serine at codon 53 of the APOB protein. Computational prediction tools and conservation analyses are inconclusive regarding the impact of this variant on the protein function. Computational splicing tools suggest that this variant may not impact RNA splicing. To our knowledge, functional assays have not been performed for this variant nor has this variant been reported in individuals affected with familial hypercholesterolemia in the literature. This variant has not been identified in the general population by the Genome Aggregation Database (gnomAD). Available evidence is insufficient to determine the role of this variant in disease conclusively. Therefore, this variant is classified as a Variant of Uncertain Significance.

NM_000384.3(APOB):c.157A>T (p.Thr53Ser)

Genes: APOB (apolipoprotein B; minus strand), LOC106560211 (APOB 5' regulatory region; plus strand). Cytogenetic location: 2p24.1.
Variant type: single nucleotide variant.
Coding change: c.157A>T on transcript NM_000384.3 (MANE Select); coding-DNA position 157, A replaced by T.
Protein change: p.Thr53Ser; replaces threonine 53 with serine.
Molecular consequence: missense variant.
Genome position (GRCh38, 1-based): chr2:21,042,441, T>A on the plus strand (A>T on the coding strand, the complement: APOB is on the minus strand). VCF-style: chr2-21042441-T-A. GRCh37 (hg19) VCF-style: chr2-21265313-T-A.
Other names: short protein forms T53S.
Identifiers: ClinVar variation 490386 (VCV000490386.5), dbSNP rs1553301271, ClinGen allele CA345965225.